The following is an entry in ClinVar:

NM_001349338.3(FOXP1):c.447dup (p.Gln150fs)

Gene: FOXP1 (forkhead box P1; minus strand). Cytogenetic location: 3p13.
Variant type: Duplication.
Coding change: c.447dup on transcript NM_001349338.3 (MANE Select); coding-DNA position 447, one base duplicated (A; older notation c.447dupA).
Protein change: p.Gln150fs; shifts the reading frame from glutamine 150.
Molecular consequence: frameshift variant. On other transcripts: non-coding transcript variant (2), intron variant (1).
Genome position (GRCh38, 1-based): chr3:71,052,600, T duplicated on the plus strand (A on the coding strand, the reverse complement: FOXP1 is on the minus strand); the first of 6 consecutive T bases (chr3:71,052,600-71,052,605); duplicating any one gives the same sequence. VCF-style (leftmost placement, unchanged base first): chr3-71052599-G-GT. GRCh37 (hg19) VCF-style: chr3-71101750-G-GT.
Other names: c.447dup, p.Gln150fs (NM_001244808.3, NM_001244810.2, NM_001244814.3 and 3 more transcripts); c.147dup, p.Gln50fs (NM_001244813.3, NM_001244815.2, NM_001349342.3 and 1 more transcripts); c.144dup, p.Gln49fs (NM_001349337.2, NM_001349343.3, NM_001349344.3); c.444dup, p.Gln149fs (NM_001349341.3); c.283-5510dup (NM_001244812.3); short protein forms Q149fs, Q150fs, Q49fs, Q50fs.
Identifiers: ClinVar variation 988547 (VCV000988547.2), dbSNP rs2050059649, ClinGen allele CA645518797.
Genomic context (GRCh38, chr3:71,052,599, plus strand): 5'-CTTTAGGCTGTTTTCCAGCATGTTGTTGTTGTAAAAGTTGAAGCTGCAACTGTTCCTGTT[G>GT]TTTTTTATAAAACTCTTGAAGCTGCTGCTACAAAGGAAAGAGAGGACGGTAAGTAACAGA-3'

ClinVar aggregate classification (germline): Pathogenic. Review status: criteria provided, multiple submitters, no conflicts (2 of 4 stars). 2 submissions from 2 submitters: Pathogenic (2). Last evaluated 2025-11-06.

Conditions:
Intellectual disability-severe speech delay-mild dysmorphism syndrome (IDDLA). Also called: Mental retardation with language impairment and autistic features; Intellectual developmental disorder with language impairment AND with or without autistic features; FOXP1 Syndrome. Identifiers: Orphanet 391372, MedGen C4013764, MONDO:0013352, OMIM 613670.

Submissions (2):

3billion
Classification: Pathogenic for Intellectual disability-severe speech delay-mild dysmorphism syndrome. Last evaluated: 2025-11-06. Review status: criteria provided, single submitter. Criteria: ACMG Guidelines, 2015. Collection method: clinical testing. Allele origin: germline. Affected: yes.
Comment: The variant is observed at an extremely low frequency in the gnomAD v4.1.0 dataset (total allele frequency: <0.001%). Predicted Consequence/Location: Frameshift: predicted to result in a loss or disruption of normal protein function through nonsense-mediated decay (NMD) or protein truncation. Multiple pathogenic variants are reported downstream of the variant. The variant has been previously reported as de novo in a similarly affected individual (PMID: 31618753). The variant has been reported to be associated with FOXP1-related disorder (ClinVar ID: VCV000988547 /PMID: 31618753). Therefore, this variant is classified as Pathogenic according to the recommendation of ACMG/AMP guideline.

Clinical Genetics and Genomics, Karolinska University Hospital
Classification: Pathogenic. Last evaluated: 2017-06-29. Review status: criteria provided, single submitter. Criteria: ACMG Guidelines, 2015. Collection method: clinical testing. Allele origin: germline. Affected: yes. Observed: 1 variant allele.

Literature cited by the submitters: PubMed 31618753 (cited by 3billion).